The following is an entry in ClinVar:

ClinVar aggregate classification (germline): Uncertain significance. Review status: criteria provided, multiple submitters, no conflicts (2 of 4 stars). 2 submissions from 2 submitters: Uncertain significance (2). Last evaluated 2025-12-02.

Conditions:
Inborn genetic diseases. Identifiers: MedGen C0950123, MeSH D030342.

gnomAD v4.1: 18 of 1,613,068 alleles (0.0011%); highest among the groups gnomAD compares: Non-Finnish European, 0.0014%; no homozygotes.

Submissions (2):

Labcorp Genetics (formerly Invitae), Labcorp
Classification: Uncertain significance. Last evaluated: 2025-12-02. Review status: criteria provided, single submitter. Criteria: Invitae Variant Classification Sherloc (09022015). Collection method: clinical testing. Allele origin: germline.
Comment: This sequence change replaces serine, which is neutral and polar, with proline, which is neutral and non-polar, at codon 3259 of the DCHS1 protein (p.Ser3259Pro). This variant is present in population databases (no rsID available, gnomAD 0.0009%). This variant has not been reported in the literature in individuals affected with DCHS1-related conditions. ClinVar contains an entry for this variant (Variation ID: 3713312). An algorithm developed to predict the effect of missense changes on protein structure and function (PolyPhen-2) suggests that this variant is likely to be disruptive. In summary, the available evidence is currently insufficient to determine the role of this variant in disease. Therefore, it has been classified as a Variant of Uncertain Significance.

Ambry Genetics
Classification: Uncertain significance for Inborn genetic diseases. Last evaluated: 2025-05-04. Review status: criteria provided, single submitter. Criteria: Ambry Variant Classification Scheme 2023. Collection method: clinical testing. Allele origin: germline.

NM_003737.4(DCHS1):c.9775T>C (p.Ser3259Pro)

Gene: DCHS1 (dachsous cadherin-related 1; minus strand). Cytogenetic location: 11p15.4.
Variant type: single nucleotide variant.
Coding change: c.9775T>C on transcript NM_003737.4 (MANE Select); coding-DNA position 9775, T replaced by C.
Protein change: p.Ser3259Pro; replaces serine 3259 with proline.
Molecular consequence: missense variant.
Genome position (GRCh38, 1-based): chr11:6,621,901, A>G on the plus strand (T>C on the coding strand, the complement: DCHS1 is on the minus strand). VCF-style: chr11-6621901-A-G. GRCh37 (hg19) VCF-style: chr11-6643132-A-G.
Other names: c.9775T>C (NM_003737.2); short protein forms S3259P.
Identifiers: ClinVar variation 3713312 (VCV003713312.3).